The following is an entry in ClinVar:

NM_207361.6(FREM2):c.5790G>A (p.Pro1930=)

Gene: FREM2 (FRAS1 related extracellular matrix 2; plus strand). Cytogenetic location: 13q13.3.
Variant type: single nucleotide variant.
Coding change: c.5790G>A on transcript NM_207361.6 (MANE Select); coding-DNA position 5790, G replaced by A.
Protein change: p.Pro1930=; no amino-acid change (proline 1930 retained).
Molecular consequence: synonymous variant.
Genome position (GRCh38, 1-based): chr13:38,784,579, G>A. VCF-style: chr13-38784579-G-A. GRCh37 (hg19) VCF-style: chr13-39358716-G-A.
Identifiers: ClinVar variation 735027 (VCV000735027.16), dbSNP rs114346379, ClinGen allele CA6955354.

ClinVar aggregate classification (germline): Conflicting classifications of pathogenicity. Review status: criteria provided, conflicting classifications (1 of 4 stars). 4 submissions from 4 submitters: Uncertain significance (1); Benign (1); Likely benign (1). 1 of the submissions does not count toward it. Last evaluated 2026-01-26.

Conditions:
FREM2-related disorder. Also called: FREM2-related condition.
Fraser syndrome 2 (FRASRS2). Identifiers: MedGen C4540036, MONDO:0054738, OMIM 617666.

Allele frequency attached by ClinVar (database versions not stated): gnomAD 0.00010 and 0.00015; TOPMed 0.00030; 1000 Genomes Project 30x 0.00125; 1000 Genomes Project 0.00140.
gnomAD v4.1: 294 of 1,614,106 alleles (0.018%); highest among the groups gnomAD compares: East Asian, 0.57%; no homozygotes.

Submissions (4):

Labcorp Genetics (formerly Invitae), Labcorp
Classification: Benign. Last evaluated: 2026-01-26. Review status: criteria provided, single submitter. Criteria: Invitae Variant Classification Sherloc (09022015). Collection method: clinical testing. Allele origin: germline.

Blueprint Genetics
Classification: Likely benign. Last evaluated: 2024-02-28. Review status: criteria provided, single submitter. Criteria: ACMG Guidelines, 2015. Collection method: clinical testing. Allele origin: germline.

Illumina Laboratory Services, Illumina
Classification: Uncertain significance for Fraser syndrome 2. Last evaluated: 2018-01-12. Review status: criteria provided, single submitter. Criteria: ICSL Variant Classification Criteria 13 December 2019. Collection method: clinical testing. Allele origin: germline.

PreventionGenetics, part of Exact Sciences
Classification: Likely benign for FREM2-related condition. Last evaluated: 2024-01-16. Review status: no assertion criteria provided. Collection method: clinical testing. Allele origin: germline. Not counted in ClinVar's aggregate classification.
Comment: This variant is classified as likely benign based on ACMG/AMP sequence variant interpretation guidelines (Richards et al. 2015 PMID: 25741868, with internal and published modifications).